The following is an entry in ClinVar:

ClinVar aggregate classification (germline): Likely pathogenic. Review status: criteria provided, multiple submitters, no conflicts (2 of 4 stars). 2 submissions from 2 submitters: Likely pathogenic (2). Last evaluated 2024-11-08.

Conditions:
Hereditary cancer-predisposing syndrome. Also called: Hereditary neoplastic syndrome; Tumor predisposition; Neoplastic Syndromes, Hereditary; Hereditary Cancer Syndrome. Identifiers: Orphanet 140162, MedGen C0027672, MeSH D009386, MONDO:0015356.
Familial cancer of breast. Also called: Hereditary breast cancer; BREAST CANCER, FAMILIAL; hereditary breast carcinoma. Identifiers: Orphanet 227535, MedGen C0346153, MONDO:0016419, OMIM 114480. Disease mechanism: loss of function.
Fanconi anemia complementation group J. Also called: BRIP1-Related Fanconi Anemia. Identifiers: Orphanet 84, MedGen C1836860, MONDO:0012187, OMIM 609054.

Submissions (2):

Ambry Genetics
Classification: Likely pathogenic for Hereditary cancer-predisposing syndrome. Last evaluated: 2024-11-08. Review status: criteria provided, single submitter. Criteria: Ambry Variant Classification Scheme 2023. Collection method: clinical testing. Allele origin: germline.
Comment: The c.627+2T>A intronic variant results from a T to A substitution two nucleotides after coding exon 5 in the BRIP1 gene. Alterations that disrupt the canonical splice site are expected to result in aberrant splicing. In silico splice site analysis predicts that this alteration will weaken the native splice donor site. The resulting transcript is predicted to be in-frame and is not expected to trigger nonsense-mediated mRNAdecay; however, direct evidence is unavailable. The exact functional effect of the altered amino acid sequence is unknown; however, the impacted region is critical for protein function (Ambry internal data). This variant is considered to be rare based on population cohorts in the Genome Aggregation Database (gnomAD). This nucleotide position is highly conserved in available vertebrate species. Based on the majority of available evidence to date, this variant is likely to be pathogenic.

Labcorp Genetics (formerly Invitae), Labcorp
Classification: Likely pathogenic for Familial cancer of breast; Fanconi anemia complementation group J. Last evaluated: 2021-03-26. Review status: criteria provided, single submitter. Criteria: Invitae Variant Classification Sherloc (09022015). Collection method: clinical testing. Allele origin: germline.
Comment: In summary, the currently available evidence indicates that the variant is pathogenic, but additional data are needed to prove that conclusively. Therefore, this variant has been classified as Likely Pathogenic. Algorithms developed to predict the effect of sequence changes on RNA splicing suggest that this variant may disrupt the consensus splice site, but this prediction has not been confirmed by published transcriptional studies. This variant has not been reported in the literature in individuals with BRIP1-related conditions. This variant is not present in population databases (ExAC no frequency). This sequence change affects a donor splice site in intron 6 of the BRIP1 gene. It is expected to disrupt RNA splicing. Variants that disrupt the donor or acceptor splice site typically lead to a loss of protein function (PMID: 16199547), and loss-of-function variants in BRIP1 are known to be pathogenic (PMID: 16116423, 17033622, 21964575).

Literature cited by the submitters: PubMed 16199547 (cited by Labcorp Genetics (formerly Invitae), Labcorp); PubMed 16116423 (cited by Labcorp Genetics (formerly Invitae), Labcorp); PubMed 17033622 (cited by Labcorp Genetics (formerly Invitae), Labcorp); PubMed 21964575 (cited by Labcorp Genetics (formerly Invitae), Labcorp).

NM_032043.3(BRIP1):c.627+2T>A

Gene: BRIP1 (BRCA1 interacting DNA helicase 1; minus strand). Cytogenetic location: 17q23.2.
Variant type: single nucleotide variant.
Coding change: c.627+2T>A on transcript NM_032043.3 (MANE Select); the canonical splice donor site of the intron after coding-DNA position 627, T replaced by A.
Molecular consequence: splice donor variant.
Genome position (GRCh38, 1-based): chr17:61,847,099, A>T on the plus strand (T>A on the coding strand, the complement: BRIP1 is on the minus strand). VCF-style: chr17-61847099-A-T. GRCh37 (hg19) VCF-style: chr17-59924460-A-T.
Other names: c.627+2T>A (NM_032043.2).
Identifiers: ClinVar variation 1478611 (VCV001478611.10), dbSNP rs2078745026, ClinGen allele CA400482776.